The following is an entry in ClinVar:

ClinVar aggregate classification (germline): Uncertain significance (1 of 4 stars; one submission).

Conditions:
Inborn genetic diseases. Identifiers: MedGen C0950123, MeSH D030342.

Submission:

Ambry Genetics
Classification: Uncertain significance for Inborn genetic diseases. Last evaluated: 2022-06-29. Review status: criteria provided, single submitter. Criteria: Ambry Variant Classification Scheme 2023. Collection method: clinical testing. Allele origin: germline.
Comment: The c.1225G>A (p.G409R) alteration is located in exon 13 (coding exon 12) of the PAK1 gene. This alteration results from a G to A substitution at nucleotide position 1225, causing the glycine (G) at amino acid position 409 to be replaced by an arginine (R). This variant was not reported in population-based cohorts in the Genome Aggregation Database (gnomAD). This amino acid position is highly conserved in available vertebrate species. The p.G409 amino acid is located within the activation loop in the kinase catalytic core (Lei, 2000). PAK1 exists as an autoinhibited homodimer until its kinase activity is activated by binding to the GTP-bound forms of Rho GTPases, CDC42 and RAC1 (reviewed in Harms, 2018). The activation loop is bound by the N-terminal kinase inhibitory (KI) segment in the autoinhibited conformation of the PAK1 dimer. Upon binding of the dimer to CDC42 or RAC1, a conformational change releases the activation loop from the KI segment followed by phosphorylation to activate the PAK1 kinase enzyme (Lei, 2000). This alteration is predicted to be deleterious by in silico analysis. Based on insufficient or conflicting evidence, the clinical significance of this alteration remains unclear.

Literature cited by the submitters: PubMed 10975528; PubMed 30290153.

NM_002576.5(PAK1):c.1225G>A (p.Gly409Arg)

Gene: PAK1 (p21 (RAC1) activated kinase 1; minus strand). Cytogenetic location: 11q13.5.
Variant type: single nucleotide variant.
Coding change: c.1225G>A on transcript NM_002576.5 (MANE Select); coding-DNA position 1225, G replaced by A.
Protein change: p.Gly409Arg; replaces glycine 409 with arginine.
Molecular consequence: missense variant. On other transcripts: non-coding transcript variant (2), intron variant (2).
Genome position (GRCh38, 1-based): chr11:77,336,274, C>T on the plus strand (G>A on the coding strand, the complement: PAK1 is on the minus strand). VCF-style: chr11-77336274-C-T. GRCh37 (hg19) VCF-style: chr11-77047319-C-T.
Other names: c.1225G>A, p.Gly409Arg (NM_001128620.2, NM_001376268.1, NM_001376269.1 and 21 more transcripts); c.1246G>A, p.Gly416Arg (NM_001376272.1); c.1216G>A, p.Gly406Arg (NM_001376294.1); c.1048G>A, p.Gly350Arg (NM_001376295.1); c.976G>A, p.Gly326Arg (NM_001376301.1); c.931G>A, p.Gly311Arg (NM_001376302.1, NM_001376304.1, NM_001376305.1); c.937G>A, p.Gly313Arg (NM_001376303.1); c.1117-15G>A (NM_001376290.1, NM_001376291.1); short protein forms G311R, G313R, G326R, G350R, G406R, G409R, G416R.
Identifiers: ClinVar variation 985490 (VCV000985490.4), dbSNP rs1942667410, ClinGen allele CA382093244.
Genomic context (GRCh38, chr11:77,336,274, plus strand): 5'-ATGGGGTTCCTACCATGGTGCTCCGTTTGCTCTGCTCTGGGGTTATCTGTGCACAGAATC[C>T]AAAGTCAGCTAGAAAAGAAAAATAAGAGAAAGAACATACATTTAGGATATACACTCACTT-3'
Protein context (NP_002567.3, residues 399-419): MDGSVKLTDF[Gly409Arg]FCAQITPEQS